The following is an entry in ClinVar:

ClinVar aggregate classification (germline): Uncertain significance. Review status: criteria provided, multiple submitters, no conflicts (2 of 4 stars). 2 submissions from 2 submitters: Uncertain significance (2). Last evaluated 2024-11-30.

Conditions:
Catecholaminergic polymorphic ventricular tachycardia 1. Also called: VENTRICULAR TACHYCARDIA, CATECHOLAMINERGIC POLYMORPHIC, 1, WITH OR WITHOUT ATRIAL DYSFUNCTION AND/OR DILATED CARDIOMYOPATHY; VENTRICULAR TACHYCARDIA, STRESS-INDUCED POLYMORPHIC 1; RYR2-Related Catecholaminergic Polymorphic Ventricular Tachycardia. Identifiers: Orphanet 3286, MedGen C1631597, MONDO:0011484, OMIM 604772.

Submissions (2):

GeneDx
Classification: Uncertain significance. Last evaluated: 2024-11-30. Review status: criteria provided, single submitter. Criteria: GeneDx Variant Classification Process June 2021. Collection method: clinical testing. Allele origin: germline. Affected: yes.
Comment: Not observed at significant frequency in large population cohorts (gnomAD); In silico analysis supports that this missense variant has a deleterious effect on protein structure/function; Has not been previously published as pathogenic or benign to our knowledge

Labcorp Genetics (formerly Invitae), Labcorp
Classification: Uncertain significance for Catecholaminergic polymorphic ventricular tachycardia 1. Last evaluated: 2023-02-22. Review status: criteria provided, single submitter. Criteria: Invitae Variant Classification Sherloc (09022015). Collection method: clinical testing. Allele origin: germline.
Comment: In summary, the available evidence is currently insufficient to determine the role of this variant in disease. Therefore, it has been classified as a Variant of Uncertain Significance. Advanced modeling of protein sequence and biophysical properties (such as structural, functional, and spatial information, amino acid conservation, physicochemical variation, residue mobility, and thermodynamic stability) has been performed at Invitae for this missense variant, however the output from this modeling did not meet the statistical confidence thresholds required to predict the impact of this variant on RYR2 protein function. This variant has not been reported in the literature in individuals affected with RYR2-related conditions. This variant is not present in population databases (gnomAD no frequency). This sequence change replaces lysine, which is basic and polar, with glutamic acid, which is acidic and polar, at codon 3697 of the RYR2 protein (p.Lys3697Glu).

NM_001035.3(RYR2):c.11089A>G (p.Lys3697Glu)

Gene: RYR2 (ryanodine receptor 2; plus strand). Cytogenetic location: 1q43.
Variant type: single nucleotide variant.
Coding change: c.11089A>G on transcript NM_001035.3 (MANE Select); coding-DNA position 11089, A replaced by G.
Protein change: p.Lys3697Glu; replaces lysine 3697 with glutamic acid.
Molecular consequence: missense variant.
Genome position (GRCh38, 1-based): chr1:237,733,754, A>G. VCF-style: chr1-237733754-A-G. GRCh37 (hg19) VCF-style: chr1-237897054-A-G.
Other names: c.11089A>G (NM_001035.2); short protein forms K3697E.
Identifiers: ClinVar variation 2840027 (VCV002840027.4), dbSNP rs2527093010, ClinGen allele CA345419255.